The following is an entry in ClinVar:

NM_013382.7(POMT2):c.884C>G (p.Thr295Arg)

Gene: POMT2 (protein O-mannosyltransferase 2; minus strand). Cytogenetic location: 14q24.3.
Variant type: single nucleotide variant.
Coding change: c.884C>G on transcript NM_013382.7 (MANE Select); coding-DNA position 884, C replaced by G.
Protein change: p.Thr295Arg; replaces threonine 295 with arginine.
Molecular consequence: missense variant.
Genome position (GRCh38, 1-based): chr14:77,299,494, G>C on the plus strand (C>G on the coding strand, the complement: POMT2 is on the minus strand). VCF-style: chr14-77299494-G-C. GRCh37 (hg19) VCF-style: chr14-77765837-G-C.
Other names: short protein forms T295R.
Identifiers: ClinVar variation 570883 (VCV000570883.6), dbSNP rs794727871, ClinGen allele CA390519928.

ClinVar aggregate classification (germline): Uncertain significance. Review status: criteria provided, multiple submitters, no conflicts (2 of 4 stars). 2 submissions from 2 submitters: Uncertain significance (2). Last evaluated 2025-08-18.

Conditions:
Muscular dystrophy-dystroglycanopathy (congenital with impaired intellectual development), type B, 2. Also called: Muscular dystrophy-dystroglycanopathy (congenital with intellectual disability), type B2; MUSCULAR DYSTROPHY, CONGENITAL, POMT2-RELATED. Identifiers: MedGen C3150416, MONDO:0013160, OMIM 613156.
Autosomal recessive limb-girdle muscular dystrophy type 2N. Also called: Muscular dystrophy-dystroglycanopathy (limb-girdle), type C, 2; MUSCULAR DYSTROPHY-DYSTROGLYCANOPATHY, LIMB-GIRDLE, POMT2-RELATED. Identifiers: Orphanet 206559, MedGen C3150418, MONDO:0013162, OMIM 613158.
Muscular dystrophy-dystroglycanopathy (congenital with brain and eye anomalies), type A2. Also called: MUSCULAR DYSTROPHY-DYSTROGLYCANOPATHY (CONGENITAL WITH BRAIN AND EYE ANOMALIES), TYPE A, 2; WALKER-WARBURG SYNDROME OR MUSCLE-EYE-BRAIN DISEASE, POMT2-RELATED. Identifiers: Orphanet 588, Orphanet 899, MedGen C3150411, MONDO:0013154, OMIM 613150.

Submissions (2):

Department of Paediatric Medicine, Post Graduation Institute of Medical Education and Research
Classification: Uncertain significance for Muscular dystrophy-dystroglycanopathy (congenital with impaired intellectual development), type B, 2. Last evaluated: 2025-08-18. Review status: criteria provided, single submitter. Criteria: ACMG Guidelines, 2015. Collection method: clinical testing. Allele origin: germline. Inheritance: Autosomal recessive inheritance. Affected: yes. Observed: 1 variant allele, 1 heterozygote.
Comment: Heterozygous missense variant c.884C>G in exon 7 of POMT2 gene that results in amino acid p.Thr295Arg with another heterozygous variant in the gene. This is a novel variant, not reported in gnomAD.

Labcorp Genetics (formerly Invitae), Labcorp
Classification: Uncertain significance for Muscular dystrophy-dystroglycanopathy (congenital with impaired intellectual development), type B, 2; Muscular dystrophy-dystroglycanopathy (congenital with brain and eye anomalies), type A2; Autosomal recessive limb-girdle muscular dystrophy type 2N. Last evaluated: 2022-10-23. Review status: criteria provided, single submitter. Criteria: Invitae Variant Classification Sherloc (09022015). Collection method: clinical testing. Allele origin: germline.
Comment: This sequence change replaces threonine, which is neutral and polar, with arginine, which is basic and polar, at codon 295 of the POMT2 protein (p.Thr295Arg). This variant is not present in population databases (gnomAD no frequency). This missense change has been observed in individual(s) with clinical features of POMT2-related conditions (Invitae). ClinVar contains an entry for this variant (Variation ID: 570883). Advanced modeling of protein sequence and biophysical properties (such as structural, functional, and spatial information, amino acid conservation, physicochemical variation, residue mobility, and thermodynamic stability) has been performed at Invitae for this missense variant, however the output from this modeling did not meet the statistical confidence thresholds required to predict the impact of this variant on POMT2 protein function. In summary, the available evidence is currently insufficient to determine the role of this variant in disease. Therefore, it has been classified as a Variant of Uncertain Significance.